The following is an entry in ClinVar:

ClinVar aggregate classification (germline): Uncertain significance (1 of 4 stars; one submission).

Conditions:
Sialuria. Also called: SIALURIA, FRENCH TYPE; Sialic Acid Storage Disease. Identifiers: Orphanet 3166, MedGen C0342853, MONDO:0010028, OMIM 269921.
GNE myopathy (NM). Also called: NONAKA DISTAL MYOPATHY; INCLUSION BODY MYOPATHY, HEREDITARY, AUTOSOMAL RECESSIVE; INCLUSION BODY MYOPATHY 2, AUTOSOMAL RECESSIVE; MYOPATHY, DISTAL, WITH OR WITHOUT RIMMED VACUOLES; IBM 2; Inclusion body myopathy autosomal recessive. Identifiers: Orphanet 602, MedGen C1853926, MONDO:0011603, OMIM 605820.

Submission:

Labcorp Genetics (formerly Invitae), Labcorp
Classification: Uncertain significance for Sialuria; GNE myopathy. Last evaluated: 2025-01-13. Review status: criteria provided, single submitter. Criteria: Invitae Variant Classification Sherloc (09022015). Collection method: clinical testing. Allele origin: germline.
Comment: This sequence change replaces isoleucine, which is neutral and non-polar, with leucine, which is neutral and non-polar, at codon 659 of the GNE protein (p.Ile659Leu). This variant is not present in population databases (gnomAD no frequency). This variant has not been reported in the literature in individuals affected with GNE-related conditions. Invitae Evidence Modeling of protein sequence and biophysical properties (such as structural, functional, and spatial information, amino acid conservation, physicochemical variation, residue mobility, and thermodynamic stability) has been performed for this missense variant. However, the output from this modeling did not meet the statistical confidence thresholds required to predict the impact of this variant on GNE protein function. In summary, the available evidence is currently insufficient to determine the role of this variant in disease. Therefore, it has been classified as a Variant of Uncertain Significance.

NM_005476.7(GNE):c.1882A>C (p.Ile628Leu)

Gene: GNE (glucosamine (UDP-N-acetyl)-2-epimerase/N-acetylmannosamine kinase; minus strand). Cytogenetic location: 9p13.3.
Variant type: single nucleotide variant.
Coding change: c.1882A>C on transcript NM_005476.7 (MANE Select); coding-DNA position 1882, A replaced by C.
Protein change: p.Ile628Leu; replaces isoleucine 628 with leucine.
Molecular consequence: missense variant.
Genome position (GRCh38, 1-based): chr9:36,218,234, T>G on the plus strand (A>C on the coding strand, the complement: GNE is on the minus strand). VCF-style: chr9-36218234-T-G. GRCh37 (hg19) VCF-style: chr9-36218231-T-G.
Other names: c.1975A>C, p.Ile659Leu (NM_001128227.3); c.1660A>C, p.Ile554Leu (NM_001190383.3); c.1552A>C, p.Ile518Leu (NM_001190384.3); c.1705A>C, p.Ile569Leu (NM_001190388.2, NM_001374798.1); c.1729A>C, p.Ile577Leu (NM_001374797.1); short protein forms I518L, I554L, I569L, I577L, I628L, I659L.
Identifiers: ClinVar variation 3757833 (VCV003757833.2).